The following is an entry in ClinVar:

NM_053013.4(ENO3):c.182-15C>T

Gene: ENO3 (enolase 3; plus strand). Cytogenetic location: 17p13.2.
Variant type: single nucleotide variant.
Coding change: c.182-15C>T on transcript NM_053013.4 (MANE Select); 15 bases into the intron before coding-DNA position 182, C replaced by T.
Molecular consequence: intron variant.
Genome position (GRCh38, 1-based): chr17:4,953,036, C>T. VCF-style: chr17-4953036-C-T. GRCh37 (hg19) VCF-style: chr17-4856331-C-T.
Other names: c.182-15C>T (NM_001976.5); c.181+146C>T (NM_001193503.2).
Identifiers: ClinVar variation 383273 (VCV000383273.2), dbSNP rs774395644, ClinGen allele CA8316184.

ClinVar aggregate classification (germline): Likely benign. Review status: criteria provided, multiple submitters, no conflicts (2 of 4 stars). 2 submissions from 2 submitters: Likely benign (2). Last evaluated 2025-04-08.

Conditions:
Glycogen storage disease due to muscle beta-enolase deficiency (GSD13). Also called: ENOLASE 3 DEFICIENCY; ENOLASE-BETA DEFICIENCY; GSD XIII; Glycogen Storage Disease Type XIII. Identifiers: Orphanet 99849, MedGen C2752027, MONDO:0013046, OMIM 612932.

Allele frequency attached by ClinVar (database versions not stated): ExAC 0.00002; gnomAD exomes 0.00002 and 0.00008; TOPMed 0.00003; gnomAD 0.00004.
gnomAD v4.1: 121 of 1,614,066 alleles (0.0075%); highest among the groups gnomAD compares: Non-Finnish European, 0.0097%; no homozygotes.

Submissions (2):

Labcorp Genetics (formerly Invitae), Labcorp
Classification: Likely benign for Glycogen storage disease due to muscle beta-enolase deficiency. Last evaluated: 2025-04-08. Review status: criteria provided, single submitter. Criteria: Invitae Variant Classification Sherloc (09022015). Collection method: clinical testing. Allele origin: germline.

GeneDx
Classification: Likely benign. Last evaluated: 2016-03-07. Review status: criteria provided, single submitter. Criteria: GeneDx Variant Classification (06012015). Collection method: clinical testing. Allele origin: germline. Affected: yes.
Comment: This variant is considered likely benign or benign based on one or more of the following criteria: it is a conservative change, it occurs at a poorly conserved position in the protein, it is predicted to be benign by multiple in silico algorithms, and/or has population frequency not consistent with disease.